The following is an entry in ClinVar:

NM_006516.4(SLC2A1):c.1A>G (p.Met1Val)

Genes: SLC2A1-DT (SLC2A1 divergent transcript; plus strand), SLC2A1 (solute carrier family 2 member 1; minus strand). Cytogenetic location: 1p34.2.
Variant type: single nucleotide variant.
Coding change: c.1A>G on transcript NM_006516.4 (MANE Select); coding-DNA position 1, A replaced by G.
Protein change: p.Met1Val; changes the start codon (methionine 1).
Molecular consequence: missense variant, initiator codon variant.
Genome position (GRCh38, 1-based): chr1:42,958,651, T>C on the plus strand (A>G on the coding strand, the complement: SLC2A1 is on the minus strand). VCF-style: chr1-42958651-T-C. GRCh37 (hg19) VCF-style: chr1-43424322-T-C.
Other names: short protein forms M1V.
Identifiers: ClinVar variation 1686206 (VCV001686206.6), dbSNP rs2124478725, ClinGen allele CA339965906.
Genomic context (GRCh38, chr1:42,958,651, plus strand): 5'-CGCCTTTGTTCCTGGCGGGAGGGCCCGCGGGCGCGCGACTCACCTTGCTGCTGGGCTCCA[T>C]GGCAGCGCTGCGCTGGTGGCTCTGGCTGCGCCGGGTACGCGGGTGGCGACGGGCGTGCGA-3'
Protein context (NP_006507.2, residues 1-11): [Met1Val]EPSSKKLTGR

ClinVar aggregate classification (germline): Pathogenic. Review status: criteria provided, multiple submitters, no conflicts (2 of 4 stars). 4 submissions from 4 submitters: Pathogenic (4). Last evaluated 2023-11-30.

Conditions:
Dystonia 9 (DYT9). Also called: CHOREOATHETOSIS, KINESIGENIC, WITH EPISODIC ATAXIA AND SPASTICITY. Identifiers: Orphanet 53583, MedGen C1832855, MONDO:0010983, OMIM 601042.
Encephalopathy due to GLUT1 deficiency. Also called: GLUT1 deficiency syndrome 1, infantile onset, severe; GLUCOSE TRANSPORT DEFECT, BLOOD-BRAIN BARRIER; De Vivo disease; Glucose transporter protein syndrome; GLUT1 deficiency syndrome 1; Classic Glucose Transporter Type 1 Deficiency Syndrome. Identifiers: Orphanet 71277, MedGen C4551966, MONDO:0011724, OMIM 606777.

Submissions (4):

Institute of Medical Genetics and Applied Genomics, University Hospital Tübingen
Classification: Pathogenic for Encephalopathy due to GLUT1 deficiency. Last evaluated: 2023-11-30. Review status: criteria provided, single submitter. Criteria: ACMG Guidelines, 2015. Collection method: clinical testing. Allele origin: germline. Inheritance: Autosomal dominant inheritance. Affected: yes.

Genome-Nilou Lab
Classification: Pathogenic for Encephalopathy due to GLUT1 deficiency. Last evaluated: 2023-04-11. Review status: criteria provided, single submitter. Criteria: ACMG Guidelines, 2015. Collection method: clinical testing. Allele origin: germline. Affected: no.

Mendelics
Classification: Pathogenic for Dystonia 9. Last evaluated: 2022-05-04. Review status: criteria provided, single submitter. Criteria: Mendelics Assertion Criteria 2019. Collection method: clinical testing. Allele origin: germline.

MGZ Medical Genetics Center
Classification: Pathogenic for Encephalopathy due to GLUT1 deficiency. Last evaluated: 2022-01-21. Review status: criteria provided, single submitter. Criteria: ACMG Guidelines, 2015. Collection method: clinical testing. Allele origin: germline. Affected: yes. Observed: 1 variant allele.
Comment: ACMG criteria applied: PVS1, PS1, PS2, PM2_SUP